The following is an entry in ClinVar:

NM_001365536.1(SCN9A):c.1190T>A (p.Ile397Asn)

Genes: SCN1A-AS1 (SCN1A and SCN9A antisense RNA 1; plus strand), SCN9A (sodium voltage-gated channel alpha subunit 9; minus strand). Cytogenetic location: 2q24.3.
Variant type: single nucleotide variant.
Coding change: c.1190T>A on transcript NM_001365536.1 (MANE Select); coding-DNA position 1190, T replaced by A.
Protein change: p.Ile397Asn; replaces isoleucine 397 with asparagine.
Molecular consequence: missense variant.
Genome position (GRCh38, 1-based): chr2:166,288,561, A>T on the plus strand (T>A on the coding strand, the complement: SCN9A is on the minus strand). VCF-style: chr2-166288561-A-T. GRCh37 (hg19) VCF-style: chr2-167145071-A-T.
Other names: c.1190T>A, p.Ile397Asn (NM_002977.4); short protein forms I397N.
Identifiers: ClinVar variation 580164 (VCV000580164.9), dbSNP rs1559015087, ClinGen allele CA349085919.

ClinVar aggregate classification (germline): Uncertain significance (1 of 4 stars; one submission).

Conditions:
Neuropathy, hereditary sensory and autonomic, type 2A (HSAN2A). Also called: ACROOSTEOLYSIS, GIACCAI TYPE; ACROOSTEOLYSIS, NEUROGENIC; MORVAN DISEASE; NEUROPATHY, CONGENITAL SENSORY; NEUROPATHY, HEREDITARY SENSORY RADICULAR, AUTOSOMAL RECESSIVE; NEUROPATHY, HEREDITARY SENSORY, TYPE IIA. Identifiers: Orphanet 970, MedGen C2752089, MONDO:0024309, OMIM 201300.
Generalized epilepsy with febrile seizures plus, type 7 (GEFSP7). Also called: GEFS+, TYPE 7. Identifiers: Orphanet 36387, MedGen C2751778, MONDO:0013470, OMIM 613863.

Submission:

Labcorp Genetics (formerly Invitae), Labcorp
Classification: Uncertain significance for Neuropathy, hereditary sensory and autonomic, type 2A; Generalized epilepsy with febrile seizures plus, type 7. Last evaluated: 2018-01-03. Review status: criteria provided, single submitter. Criteria: Invitae Variant Classification Sherloc (09022015). Collection method: clinical testing. Allele origin: germline.
Comment: In summary, the available evidence is currently insufficient to determine the role of this variant in disease. Therefore, it has been classified as a Variant of Uncertain Significance. Algorithms developed to predict the effect of missense changes on protein structure and function (SIFT, PolyPhen-2, Align-GVGD) all suggest that this variant is likely to be disruptive, but these predictions have not been confirmed by published functional studies and their clinical significance is uncertain. This variant has not been reported in the literature in individuals with SCN9A-related disease. This variant is not present in population databases (ExAC no frequency). This sequence change replaces isoleucine with asparagine at codon 397 of the SCN9A protein (p.Ile397Asn). The isoleucine residue is highly conserved and there is a large physicochemical difference between isoleucine and asparagine.